The following is an entry in ClinVar:

NM_004999.4(MYO6):c.1927G>A (p.Val643Met)

Gene: MYO6 (myosin VI; plus strand). Cytogenetic location: 6q14.1.
Variant type: single nucleotide variant.
Coding change: c.1927G>A on transcript NM_004999.4 (MANE Select); coding-DNA position 1927, G replaced by A.
Protein change: p.Val643Met; replaces valine 643 with methionine.
Molecular consequence: missense variant. On other transcripts: non-coding transcript variant (1).
Genome position (GRCh38, 1-based): chr6:75,867,088, G>A. VCF-style: chr6-75867088-G-A. GRCh37 (hg19) VCF-style: chr6-76576805-G-A.
Other names: c.1927G>A, p.Val643Met (NM_001300899.2, NM_001368136.1, NM_001368137.1 and 2 more transcripts); c.1912G>A, p.Val638Met (NM_001368138.1); short protein forms V638M, V643M.
Identifiers: ClinVar variation 3351699 (VCV003351699.2).

ClinVar aggregate classification (germline): Uncertain significance. Review status: criteria provided, single submitter (1 of 4 stars). 2 submissions from 2 submitters: Uncertain significance (1). 1 of the submissions does not count toward it. Last evaluated 2024-11-19.

Conditions:
MYO6-related disorder. Also called: MYO6-related disorders; MYO6-related condition.

gnomAD v4.1: 62 of 1,613,172 alleles (0.0038%); highest among the groups gnomAD compares: South Asian, 0.036%; 1 homozygote.

Submissions (2):

Blueprint Genetics
Classification: Uncertain significance. Last evaluated: 2024-11-19. Review status: criteria provided, single submitter. Criteria: ACMG Guidelines, 2015. Collection method: clinical testing. Allele origin: germline.

PreventionGenetics, part of Exact Sciences
Classification: Uncertain significance for MYO6-related condition. Last evaluated: 2024-09-27. Review status: no assertion criteria provided. Collection method: clinical testing. Allele origin: germline. Not counted in ClinVar's aggregate classification.
Comment: The MYO6 c.1927G>A variant is predicted to result in the amino acid substitution p.Val643Met. To our knowledge, this variant has not been reported in the literature. This variant is reported in 0.026% of alleles in individuals of South Asian descent in gnomAD. At this time, the clinical significance of this variant is uncertain due to the absence of conclusive functional and genetic evidence.